The following is an entry in ClinVar:

ClinVar aggregate classification (germline): Uncertain significance (1 of 4 stars; one submission).

Submission:

GeneDx
Classification: Uncertain significance. Last evaluated: 2025-01-28. Review status: criteria provided, single submitter. Criteria: GeneDx Variant Classification Process June 2021. Collection method: clinical testing. Allele origin: germline. Affected: yes.
Comment: Not observed at significant frequency in large population cohorts (gnomAD); In silico analysis supports that this missense variant has a deleterious effect on protein structure/function; Has not been previously published as pathogenic or benign to our knowledge

NM_001122681.2(SH3BP2):c.1019C>T (p.Ser340Phe)

Gene: SH3BP2 (SH3 domain binding protein 2; plus strand). Cytogenetic location: 4p16.3.
Variant type: single nucleotide variant.
Coding change: c.1019C>T on transcript NM_001122681.2 (MANE Select); coding-DNA position 1019, C replaced by T.
Protein change: p.Ser340Phe; replaces serine 340 with phenylalanine.
Molecular consequence: missense variant.
Genome position (GRCh38, 1-based): chr4:2,829,925, C>T. VCF-style: chr4-2829925-C-T. GRCh37 (hg19) VCF-style: chr4-2831652-C-T.
Other names: c.1103C>T, p.Ser368Phe (NM_001145855.2); c.1190C>T, p.Ser397Phe (NM_001145856.2); c.1019C>T, p.Ser340Phe (NM_003023.4); short protein forms S340F, S368F, S397F.
Identifiers: ClinVar variation 4071931 (VCV004071931.1).
Genomic context (GRCh38, chr4:2,829,925, plus strand): 5'-CTGCCATCATGGCCACTGCCACCTCCAGAAACTGTGACAAACTCAAGTCCTTCCACCTGT[C>T]CCCCCGAGGACCACCCACATCTGAGCCCCCACCTGTGCCAGCCAACAAGCCCAAGTTCCT-3'
Protein context (NP_001116153.1, residues 330-350): NCDKLKSFHL[Ser340Phe]PRGPPTSEPP